The following is an entry in ClinVar:

ClinVar aggregate classification (germline): Conflicting classifications of pathogenicity. Review status: criteria provided, conflicting classifications (1 of 4 stars). 2 submissions from 2 submitters: Uncertain significance (1); Likely benign (1). Last evaluated 2024-04-01.

Conditions:
Bethlem myopathy 1A. Also called: MYOPATHY, BENIGN CONGENITAL, WITH CONTRACTURES; Bethlem Muscular Dystrophy; Bethlem myopathy 1. Identifiers: Orphanet 610, MedGen CN029274, MONDO:0024530, OMIM 158810.

Allele frequency attached by ClinVar (database versions not stated): gnomAD exomes 0.00001.
gnomAD v4.1: 3 of 1,614,144 alleles (0.00019%); highest among the groups gnomAD compares: Middle Eastern, 0.033%; no homozygotes.

Submissions (2):

CeGaT Center for Human Genetics Tuebingen
Classification: Uncertain significance. Last evaluated: 2024-04-01. Review status: criteria provided, single submitter. Criteria: CeGaT Center For Human Genetics Tuebingen Variant Classification Criteria Version 2. Collection method: clinical testing. Allele origin: germline. Affected: yes. Observed: 1 variant allele.
Comment: COL6A3: PM2

Labcorp Genetics (formerly Invitae), Labcorp
Classification: Likely benign for Bethlem myopathy 1A. Last evaluated: 2022-05-11. Review status: criteria provided, single submitter. Criteria: Invitae Variant Classification Sherloc (09022015). Collection method: clinical testing. Allele origin: germline.

NM_004369.4(COL6A3):c.5605A>G (p.Ile1869Val)

Gene: COL6A3 (collagen type VI alpha 3 chain; minus strand). Cytogenetic location: 2q37.3.
Variant type: single nucleotide variant.
Coding change: c.5605A>G on transcript NM_004369.4 (MANE Select); coding-DNA position 5605, A replaced by G.
Protein change: p.Ile1869Val; replaces isoleucine 1869 with valine.
Molecular consequence: missense variant.
Genome position (GRCh38, 1-based): chr2:237,365,931, T>C on the plus strand (A>G on the coding strand, the complement: COL6A3 is on the minus strand). VCF-style: chr2-237365931-T-C. GRCh37 (hg19) VCF-style: chr2-238274574-T-C.
Other names: c.3784A>G, p.Ile1262Val (NM_057166.5); c.4987A>G, p.Ile1663Val (NM_057167.4); short protein forms I1869V, I1663V, I1262V.
Identifiers: ClinVar variation 2156975 (VCV002156975.23), dbSNP rs1417285945, ClinGen allele CA351186157.